The following is an entry in ClinVar:

NM_138694.4(PKHD1):c.875T>C (p.Ile292Thr)

Gene: PKHD1 (PKHD1 ciliary IPT domain containing fibrocystin/polyductin; minus strand). Cytogenetic location: 6p12.2.
Variant type: single nucleotide variant.
Coding change: c.875T>C on transcript NM_138694.4 (MANE Select); coding-DNA position 875, T replaced by C.
Protein change: p.Ile292Thr; replaces isoleucine 292 with threonine.
Molecular consequence: missense variant.
Genome position (GRCh38, 1-based): chr6:52,065,981, A>G on the plus strand (T>C on the coding strand, the complement: PKHD1 is on the minus strand). VCF-style: chr6-52065981-A-G. GRCh37 (hg19) VCF-style: chr6-51930779-A-G.
Other names: c.875T>C, p.Ile292Thr (NM_170724.3); c.875T>C (NM_138694.3); short protein forms I292T.
Identifiers: ClinVar variation 1418817 (VCV001418817.8), dbSNP rs193185189, ClinGen allele CA3853734.

ClinVar aggregate classification (germline): Uncertain significance. Review status: criteria provided, multiple submitters, no conflicts (2 of 4 stars). 3 submissions from 3 submitters: Uncertain significance (3). Last evaluated 2024-04-29.

Conditions:
Autosomal recessive polycystic kidney disease (ARPKD). Also called: AR polycystic kidney disease. Identifiers: Orphanet 731, Orphanet 8378, MedGen C0085548, MeSH D017044, MONDO:0009889.
Polycystic kidney disease 4 (PKD4). Also called: POLYCYSTIC KIDNEY DISEASE 4 WITH OR WITHOUT POLYCYSTIC LIVER DISEASE; PKD3; Autosomal Recessive Polycystic Kidney Disease – PKHD1; POLYCYSTIC KIDNEY AND HEPATIC DISEASE 1; POLYCYSTIC KIDNEY DISEASE, INFANTILE, TYPE I. Identifiers: MedGen C4540575, MONDO:0033004, OMIM 263200.

Allele frequency attached by ClinVar (database versions not stated): gnomAD exomes below 0.00001 and 0.00001; TOPMed below 0.00001; ExAC 0.00001; gnomAD 0.00001; 1000 Genomes Project 30x 0.00016; 1000 Genomes Project 0.00020.
gnomAD v4.1: 17 of 1,490,088 alleles (0.0011%); highest among the groups gnomAD compares: African/African-American, 0.0014%; no homozygotes.

Submissions (3):

Fulgent Genetics
Classification: Uncertain significance for Polycystic kidney disease 4. Last evaluated: 2024-04-29. Review status: criteria provided, single submitter. Criteria: ACMG Guidelines, 2015. Collection method: clinical testing. Allele origin: germline.

GeneDx
Classification: Uncertain significance. Last evaluated: 2024-02-17. Review status: criteria provided, single submitter. Criteria: GeneDx Variant Classification Process June 2021. Collection method: clinical testing. Allele origin: germline. Affected: yes.
Comment: Has not been previously published as pathogenic or benign to our knowledge; Not observed at significant frequency in large population cohorts (gnomAD); In silico analysis supports that this missense variant has a deleterious effect on protein structure/function

Labcorp Genetics (formerly Invitae), Labcorp
Classification: Uncertain significance for Autosomal recessive polycystic kidney disease. Last evaluated: 2021-08-24. Review status: criteria provided, single submitter. Criteria: Invitae Variant Classification Sherloc (09022015). Collection method: clinical testing. Allele origin: germline.
Comment: This sequence change replaces isoleucine with threonine at codon 292 of the PKHD1 protein (p.Ile292Thr). The isoleucine residue is moderately conserved and there is a moderate physicochemical difference between isoleucine and threonine. This variant is present in population databases (rs193185189, ExAC 0.01%). This variant has not been reported in the literature in individuals affected with PKHD1-related conditions. Advanced modeling of protein sequence and biophysical properties (such as structural, functional, and spatial information, amino acid conservation, physicochemical variation, residue mobility, and thermodynamic stability) performed at Invitae indicates that this missense variant is not expected to disrupt PKHD1 protein function. In summary, the available evidence is currently insufficient to determine the role of this variant in disease. Therefore, it has been classified as a Variant of Uncertain Significance.